The following is an entry in ClinVar:

ClinVar aggregate classification (germline): Uncertain significance (1 of 4 stars; one submission).

Conditions:
Cardiovascular phenotype. Identifiers: MedGen CN230736.

Submission:

Ambry Genetics
Classification: Uncertain significance for Cardiovascular phenotype. Last evaluated: 2026-09-11. Review status: criteria provided, single submitter. Criteria: Ambry Variant Classification Scheme 2023. Collection method: clinical testing. Allele origin: germline.
Comment: The p.T208A variant (also known as c.622A>G), located in coding exon 3 of the PKP2 gene, results from an A to G substitution at nucleotide position 622. The threonine at codon 208 is replaced by alanine, an amino acid with similar properties. This amino acid position is conserved. In addition, this alteration is predicted to be tolerated by in silico analysis. Based on the available evidence, the clinical significance of this variant remains unclear.

NM_001005242.3(PKP2):c.622A>G (p.Thr208Ala)

Gene: PKP2 (plakophilin 2; minus strand). Cytogenetic location: 12p11.21.
Variant type: single nucleotide variant.
Coding change: c.622A>G on transcript NM_001005242.3 (MANE Select); coding-DNA position 622, A replaced by G.
Protein change: p.Thr208Ala; replaces threonine 208 with alanine.
Molecular consequence: missense variant.
Genome position (GRCh38, 1-based): chr12:32,878,258, T>C on the plus strand (A>G on the coding strand, the complement: PKP2 is on the minus strand). VCF-style: chr12-32878258-T-C. GRCh37 (hg19) VCF-style: chr12-33031192-T-C.
Other names: c.622A>G, p.Thr208Ala (NM_001407155.1, NM_001407156.1, NM_001407157.1 and 2 more transcripts); c.295A>G, p.Thr99Ala (NM_001407158.1, NM_001407159.1, NM_001407160.1 and 1 more transcripts); short protein forms T208A, T99A.
Identifiers: ClinVar variation 3889652 (VCV003889652.2).